The following is an entry in ClinVar:

NM_001943.5(DSG2):c.2749G>A (p.Ala917Thr)

Genes: DSG2 (desmoglein 2; plus strand), DSG2-AS1 (DSG2 antisense RNA 1; minus strand). Cytogenetic location: 18q12.1.
Variant type: single nucleotide variant.
Coding change: c.2749G>A on transcript NM_001943.5 (MANE Select); coding-DNA position 2749, G replaced by A.
Protein change: p.Ala917Thr; replaces alanine 917 with threonine.
Molecular consequence: missense variant.
Genome position (GRCh38, 1-based): chr18:31,546,135, G>A. VCF-style: chr18-31546135-G-A. GRCh37 (hg19) VCF-style: chr18-29126098-G-A.
Other names: short protein forms A917T.
Identifiers: ClinVar variation 4803009 (VCV004803009.1).
Genomic context (GRCh38, chr18:31,546,135, plus strand): 5'-GCCAATGCAGAGAAAGTAACTCAGGAAATAGTCACTGAAAGATCTGTGTCTTCTAGGCAG[G>A]CGCAAAAGGTAGCTACACCTCTTCCTGACCCAATGGCTTCTAGAAATGTGATAGCAACAG-3'
Protein context (NP_001934.2, residues 907-927): VTERSVSSRQ[Ala917Thr]QKVATPLPDP

ClinVar aggregate classification (germline): Uncertain significance (1 of 4 stars; one submission).

Conditions:
Arrhythmogenic right ventricular dysplasia 10. Also called: Arrhythmogenic Right Ventricular Dysplasia/Cardiomyopathy10; ARRHYTHMOGENIC RIGHT VENTRICULAR DYSPLASIA, FAMILIAL, 10; Arrhythmogenic right ventricular dysplasia/cardiomyopathy, type 10. Identifiers: MedGen C1857777, MONDO:0012434, OMIM 610193.

Submission:

Labcorp Genetics (formerly Invitae), Labcorp
Classification: Uncertain significance for Arrhythmogenic right ventricular dysplasia 10. Last evaluated: 2025-06-11. Review status: criteria provided, single submitter. Criteria: Invitae Variant Classification Sherloc (09022015). Collection method: clinical testing. Allele origin: germline.
Comment: This sequence change replaces alanine, which is neutral and non-polar, with threonine, which is neutral and polar, at codon 917 of the DSG2 protein (p.Ala917Thr). This variant is present in population databases (rs770013173, gnomAD 0.003%). This variant has not been reported in the literature in individuals affected with DSG2-related conditions. Invitae Evidence Modeling of protein sequence and biophysical properties (such as structural, functional, and spatial information, amino acid conservation, physicochemical variation, residue mobility, and thermodynamic stability) indicates that this missense variant is not expected to disrupt DSG2 protein function with a negative predictive value of 95%. In summary, the available evidence is currently insufficient to determine the role of this variant in disease. Therefore, it has been classified as a Variant of Uncertain Significance.